The following is an entry in ClinVar:

NM_032119.4(ADGRV1):c.13722C>T (p.Asp4574=)

Gene: ADGRV1 (adhesion G protein-coupled receptor V1; plus strand). Cytogenetic location: 5q14.3.
Variant type: single nucleotide variant.
Coding change: c.13722C>T on transcript NM_032119.4 (MANE Select); coding-DNA position 13722, C replaced by T.
Protein change: p.Asp4574=; no amino-acid change (aspartic acid 4574 retained).
Molecular consequence: synonymous variant. On other transcripts: non-coding transcript variant (1).
Genome position (GRCh38, 1-based): chr5:90,788,139, C>T. VCF-style: chr5-90788139-C-T. GRCh37 (hg19) VCF-style: chr5-90083956-C-T.
Identifiers: ClinVar variation 906559 (VCV000906559.15), dbSNP rs367768061, ClinGen allele CA3341595.

ClinVar aggregate classification (germline): Conflicting classifications of pathogenicity. Review status: criteria provided, conflicting classifications (1 of 4 stars). 4 submissions from 4 submitters: Uncertain significance (1); Likely benign (2). 1 of the submissions does not count toward it. Last evaluated 2026-01-19.

Conditions:
ADGRV1-related disorder. Also called: ADGRV1-related condition; ADGRV1-related disorders.
Usher syndrome type 2C. Also called: Usher syndrome, type 2B; USHER SYNDROME, TYPE IIC. Identifiers: Orphanet 231178, Orphanet 886, MedGen C2931213, MONDO:0011558, OMIM 605472.

Allele frequency attached by ClinVar (database versions not stated): gnomAD exomes 0.00004; ExAC 0.00006; gnomAD 0.00025 and 0.00026; TOPMed 0.00032; 1000 Genomes Project 0.00040; ESP Exome Variant Server 0.00042; 1000 Genomes Project 30x 0.00062.
gnomAD v4.1: 70 of 1,613,498 alleles (0.0043%); highest among the groups gnomAD compares: African/African-American, 0.083%; no homozygotes.

Submissions (4):

Labcorp Genetics (formerly Invitae), Labcorp
Classification: Likely benign. Last evaluated: 2026-01-19. Review status: criteria provided, single submitter. Criteria: Invitae Variant Classification Sherloc (09022015). Collection method: clinical testing. Allele origin: germline.

Blueprint Genetics
Classification: Likely benign. Last evaluated: 2024-07-01. Review status: criteria provided, single submitter. Criteria: ACMG Guidelines, 2015. Collection method: clinical testing. Allele origin: germline.

Illumina Laboratory Services, Illumina
Classification: Uncertain significance for Usher syndrome type 2C. Last evaluated: 2018-01-12. Review status: criteria provided, single submitter. Criteria: ICSL Variant Classification Criteria 13 December 2019. Collection method: clinical testing. Allele origin: germline.

PreventionGenetics, part of Exact Sciences
Classification: Likely benign for ADGRV1-related condition. Last evaluated: 2020-02-20. Review status: no assertion criteria provided. Collection method: clinical testing. Allele origin: germline. Not counted in ClinVar's aggregate classification.
Comment: This variant is classified as likely benign based on ACMG/AMP sequence variant interpretation guidelines (Richards et al. 2015 PMID: 25741868, with internal and published modifications).